The following is an entry in ClinVar:

NM_001374828.1(ARID1B):c.6608_6609del (p.Arg2203fs)

Gene: ARID1B (AT-rich interaction domain 1B; plus strand). Cytogenetic location: 6q25.3.
Variant type: Microsatellite.
Coding change: c.6608_6609del on transcript NM_001374828.1 (MANE Select); coding-DNA positions 6608 to 6609, 2 bases deleted (GA; older notation c.6608_6609delGA).
Protein change: p.Arg2203fs; shifts the reading frame from arginine 2203.
Molecular consequence: frameshift variant.
Genome position (GRCh38, 1-based): chr6:157,207,380-157,207,381, GA deleted; deleting any 2 consecutive bases within chr6:157,207,377-157,207,381 gives the same sequence; the c. name uses the placement nearest the transcript's 3' end. VCF-style (leftmost placement, unchanged base first): chr6-157207376-CAG-C. GRCh37 (hg19) VCF-style: chr6-157528510-CAG-C.
Other names: c.6239_6240del (NM_020732.3); c.4109_4110del, p.Arg1370fs (NM_001363725.2); c.6488_6489del, p.Arg2163fs (NM_001371656.1, NM_001374820.1); c.6449_6450del, p.Arg2150fs (NM_017519.3); short protein forms R1370fs, R2150fs, R2163fs, R2203fs.
Identifiers: ClinVar variation 981926 (VCV000981926.4), dbSNP rs1794549840, ClinGen allele CA1675543260.

ClinVar aggregate classification (germline): Conflicting classifications of pathogenicity. Review status: criteria provided, conflicting classifications (1 of 4 stars). 2 submissions from 2 submitters: Pathogenic (1); Uncertain significance (1). Last evaluated 2024-12-03.

Conditions:
Coffin-Siris syndrome 1 (CSS1). Also called: ARID1B-Related Coffin-Siris Syndrome; Mental retardation, autosomal dominant 12. Identifiers: Orphanet 1465, MedGen C3281201, MONDO:0007617, OMIM 135900. Disease mechanism: gain of function.

Submissions (2):

3billion
Classification: Uncertain significance for Coffin-Siris syndrome 1. Last evaluated: 2024-12-03. Review status: criteria provided, single submitter. Criteria: ACMG Guidelines, 2015. Collection method: clinical testing. Allele origin: germline. Affected: yes.
Comment: The variant is not observed in the gnomAD v4.1.0 dataset. Predicted Consequence/Location: Frameshift: predicted to result in a loss or disruption of normal protein function through protein truncation. The predicted truncated protein may be shortened by less than 10% and a dominant negative effect has been reported near truncated region. The variant has been reported to be associated with ARID1B related disorder (ClinVar ID: VCV000981926). However, the evidence of pathogenicity is insufficient at this time. Therefore, this variant is classified as VUS according to the recommendation of ACMG/AMP guideline.

Institute of Human Genetics, University of Goettingen
Classification: Pathogenic for Coffin-Siris syndrome 1. Last evaluated: 2020-07-23. Review status: criteria provided, single submitter. Criteria: ACMG Guidelines, 2015. Collection method: clinical testing. Allele origin: de novo. Inheritance: Autosomal dominant inheritance. Affected: yes. Observed: 1 heterozygote.
Comment: ACMG criteria used for classification: PVS1, PS2, PM2